The following is an entry in ClinVar:

NM_017934.7(PHIP):c.4828+6G>A

Genes: IRAK1BP1 (interleukin 1 receptor associated kinase 1 binding protein 1; plus strand), PHIP (PHIP subunit of CUL4-Ring ligase complex; minus strand). Cytogenetic location: 6q14.1.
Variant type: single nucleotide variant.
Coding change: c.4828+6G>A on transcript NM_017934.7 (MANE Select); 6 bases into the intron after coding-DNA position 4828, G replaced by A.
Molecular consequence: intron variant.
Genome position (GRCh38, 1-based): chr6:78,945,294, C>T on the plus strand (G>A on the coding strand, the complement: PHIP is on the minus strand). VCF-style: chr6-78945294-C-T. GRCh37 (hg19) VCF-style: chr6-79655011-C-T.
Identifiers: ClinVar variation 4985113 (VCV004985113.1).

ClinVar aggregate classification (germline): Likely benign (1 of 4 stars; one submission).

Conditions:
PHIP-related disorder. Also called: PHIP-related disorders; PHIP-related condition.

gnomAD v4.1: 60 of 1,588,034 alleles (0.0038%); highest among the groups gnomAD compares: Non-Finnish European, 0.0036%; no homozygotes.

Submission:

PreventionGenetics, part of Exact Sciences
Classification: Likely benign for PHIP-related condition. Last evaluated: 2024-11-14. Review status: criteria provided, single submitter. Criteria: ACMG Guidelines, 2015. Collection method: clinical testing. Allele origin: germline.
Comment: This variant is classified as likely benign based on ACMG/AMP sequence variant interpretation guidelines (Richards et al. 2015 PMID: 25741868, with internal and published modifications).